The following is an entry in ClinVar:

ClinVar aggregate classification (germline): Likely pathogenic. Review status: criteria provided, multiple submitters, no conflicts (2 of 4 stars). 2 submissions from 2 submitters: Likely pathogenic (2). Last evaluated 2025-02-12.

Conditions:
Infantile cerebral and cerebellar atrophy with postnatal progressive microcephaly (MSBA). Identifiers: Orphanet 402364, MedGen C3150921, MONDO:0013351, OMIM 613668.

Submissions (2):

Natera, Inc.
Classification: Likely pathogenic for Postnatal progressive microcephaly with seizures and brain atrophy. Last evaluated: 2025-02-12. Review status: criteria provided, single submitter. Criteria: Natera Variant Classification Schema (03/2026). Collection method: clinical testing. Allele origin: germline.
Comment: The c.873G>A variant in MED17 is a nonsense variant predicted to introduce a stop codon at amino acid 291. This variant is expected to result in nonsense mediated decay, truncation, or a dysfunctional protein product. This variant is rare in the general population with a frequency below the threshold expected for the associated phenotype(s). Given the available evidence, this variant is classified as Likely Pathogenic.

Fulgent Genetics
Classification: Likely pathogenic for Infantile cerebral and cerebellar atrophy with postnatal progressive microcephaly. Last evaluated: 2024-04-19. Review status: criteria provided, single submitter. Criteria: ACMG Guidelines, 2015. Collection method: clinical testing. Allele origin: germline.

NM_004268.5(MED17):c.873G>A (p.Trp291Ter)

Gene: MED17 (mediator complex subunit 17; plus strand). Cytogenetic location: 11q21.
Variant type: single nucleotide variant.
Coding change: c.873G>A on transcript NM_004268.5 (MANE Select); coding-DNA position 873, G replaced by A.
Protein change: p.Trp291Ter; replaces tryptophan 291 with a stop codon.
Molecular consequence: nonsense.
Genome position (GRCh38, 1-based): chr11:93,794,921, G>A. VCF-style: chr11-93794921-G-A. GRCh37 (hg19) VCF-style: chr11-93528087-G-A.
Other names: c.873G>A (NM_004268.4); short protein forms W291*.
Identifiers: ClinVar variation 3574125 (VCV003574125.2).